The following is an entry in ClinVar:

NM_024665.7(TBL1XR1):c.118_119insGTCAGTCCATTT (p.Asn40delinsSerGlnSerIleTyr)

Gene: TBL1XR1 (TBL1X/Y related 1; minus strand). Cytogenetic location: 3q26.32.
Variant type: Insertion.
Coding change: c.118_119insGTCAGTCCATTT on transcript NM_024665.7 (MANE Select); coding-DNA positions 118 to 119, GTCAGTCCATTT inserted.
Protein change: p.Asn40delinsSerGlnSerIleTyr.
Molecular consequence: inframe indel. On other transcripts: 5 prime UTR variant (2).
Genome position: GRCh38 VCF-style: chr3-177053858-T-TAAATGGACTGAC. GRCh37 (hg19) VCF-style: chr3-176771646-T-TAAATGGACTGAC.
Other names: c.118_119insGTCAGTCCATTT, p.Asn40delinsSerGlnSerIleTyr (NM_001321193.3, NM_001321194.3, NM_001374327.1 and 2 more transcripts); c.-144_-143insGTCAGTCCATTT (NM_001321195.3, NM_001374330.1).
Identifiers: ClinVar variation 844342 (VCV000844342.9), dbSNP rs1717436007, ClinGen allele CA916082615.

ClinVar aggregate classification (germline): Uncertain significance (1 of 4 stars; one submission).

Conditions:
Pierpont syndrome (PRPTS). Identifiers: Orphanet 487825, MedGen C1865644, MONDO:0011213, OMIM 602342.

Submission:

Labcorp Genetics (formerly Invitae), Labcorp
Classification: Uncertain significance for Pierpont syndrome. Last evaluated: 2019-03-30. Review status: criteria provided, single submitter. Criteria: Invitae Variant Classification Sherloc (09022015). Collection method: clinical testing. Allele origin: germline.
Comment: In summary, the available evidence is currently insufficient to determine the role of this variant in disease. Therefore, it has been classified as a Variant of Uncertain Significance. Experimental studies and prediction algorithms are not available for this variant, and the functional significance of the affected amino acid(s) is currently unknown. This variant has not been reported in the literature in individuals with TBL1XR1-related conditions. This variant is not present in population databases (ExAC no frequency). This variant, c.118_119insGTCAGTCCATTT, is a complex sequence change that results in the deletion of 1 and insertion of 5 amino acids in the TBL1XR1 protein (p.Asn40delinsSerGlnSerIleTyr).